The following is an entry in ClinVar:

ClinVar aggregate classification (germline): Uncertain significance (1 of 4 stars; one submission).

Allele frequency attached by ClinVar (database versions not stated): gnomAD 0.00001; ExAC 0.00002.
gnomAD v4.1: 17 of 1,613,992 alleles (0.0011%); highest among the groups gnomAD compares: Admixed American, 0.0033%; no homozygotes.

Submission:

Labcorp Genetics (formerly Invitae), Labcorp
Classification: Uncertain significance. Last evaluated: 2024-03-26. Review status: criteria provided, single submitter. Criteria: Invitae Variant Classification Sherloc (09022015). Collection method: clinical testing. Allele origin: germline.
Comment: This sequence change replaces histidine, which is basic and polar, with asparagine, which is neutral and polar, at codon 171 of the GJB4 protein (p.His171Asn). This variant is present in population databases (rs750400283, gnomAD 0.006%). This variant has not been reported in the literature in individuals affected with GJB4-related conditions. Advanced modeling of protein sequence and biophysical properties (such as structural, functional, and spatial information, amino acid conservation, physicochemical variation, residue mobility, and thermodynamic stability) performed at Invitae indicates that this missense variant is not expected to disrupt GJB4 protein function with a negative predictive value of 80%. In summary, the available evidence is currently insufficient to determine the role of this variant in disease. Therefore, it has been classified as a Variant of Uncertain Significance.

NM_153212.3(GJB4):c.511C>A (p.His171Asn)

Gene: GJB4 (gap junction protein beta 4; plus strand). Cytogenetic location: 1p34.3.
Variant type: single nucleotide variant.
Coding change: c.511C>A on transcript NM_153212.3 (MANE Select); coding-DNA position 511, C replaced by A.
Protein change: p.His171Asn; replaces histidine 171 with asparagine.
Molecular consequence: missense variant.
Genome position (GRCh38, 1-based): chr1:34,761,765, C>A. VCF-style: chr1-34761765-C-A. GRCh37 (hg19) VCF-style: chr1-35227366-C-A.
Other names: short protein forms H171N.
Identifiers: ClinVar variation 2978052 (VCV002978052.3), dbSNP rs750400283, ClinGen allele CA754612.